The following is an entry in ClinVar:

NM_152383.5(DIS3L2):c.1627C>T (p.Arg543Cys)

Gene: DIS3L2 (DIS3 like 3'-5' exoribonuclease 2; plus strand). Cytogenetic location: 2q37.1.
Variant type: single nucleotide variant.
Coding change: c.1627C>T on transcript NM_152383.5 (MANE Select); coding-DNA position 1627, C replaced by T.
Protein change: p.Arg543Cys; replaces arginine 543 with cysteine.
Molecular consequence: missense variant. On other transcripts: non-coding transcript variant (2), intron variant (1).
Genome position (GRCh38, 1-based): chr2:232,263,408, C>T. VCF-style: chr2-232263408-C-T. GRCh37 (hg19) VCF-style: chr2-233128118-C-T.
Other names: c.1581+46C>T (NM_001257281.2); short protein forms R543C.
Identifiers: ClinVar variation 572055 (VCV000572055.11), dbSNP rs757555204, ClinGen allele CA2164208.

ClinVar aggregate classification (germline): Uncertain significance. Review status: criteria provided, multiple submitters, no conflicts (2 of 4 stars). 2 submissions from 2 submitters: Uncertain significance (2). Last evaluated 2025-09-02.

Conditions:
Inborn genetic diseases. Identifiers: MedGen C0950123, MeSH D030342.
Perlman syndrome (PRLMNS). Identifiers: Orphanet 2849, MedGen C0796113, MONDO:0009965, OMIM 267000.

Allele frequency attached by ClinVar (database versions not stated): ExAC 0.00001; gnomAD 0.00001; gnomAD exomes 0.00002.
gnomAD v4.1: 10 of 1,614,060 alleles (0.00062%); highest among the groups gnomAD compares: East Asian, 0.0045%; no homozygotes.

Submissions (2):

Labcorp Genetics (formerly Invitae), Labcorp
Classification: Uncertain significance for Perlman syndrome. Last evaluated: 2025-09-02. Review status: criteria provided, single submitter. Criteria: Invitae Variant Classification Sherloc (09022015). Collection method: clinical testing. Allele origin: germline.
Comment: This sequence change replaces arginine, which is basic and polar, with cysteine, which is neutral and slightly polar, at codon 543 of the DIS3L2 protein (p.Arg543Cys). This variant is present in population databases (rs757555204, gnomAD 0.005%). This variant has not been reported in the literature in individuals affected with DIS3L2-related conditions. ClinVar contains an entry for this variant (Variation ID: 572055). Invitae Evidence Modeling of protein sequence and biophysical properties (such as structural, functional, and spatial information, amino acid conservation, physicochemical variation, residue mobility, and thermodynamic stability) indicates that this missense variant is expected to disrupt DIS3L2 protein function with a positive predictive value of 80%. In summary, the available evidence is currently insufficient to determine the role of this variant in disease. Therefore, it has been classified as a Variant of Uncertain Significance.

Ambry Genetics
Classification: Uncertain significance for Inborn genetic diseases. Last evaluated: 2024-12-14. Review status: criteria provided, single submitter. Criteria: Ambry Variant Classification Scheme 2023. Collection method: clinical testing. Allele origin: germline.